The following is an entry in ClinVar:

ClinVar aggregate classification (germline): Likely pathogenic (0 of 4 stars; one submission).

Conditions:
concomitant exotropia.

Submission:

Ophthalmology Lab, The First People's Hospital of Yunnan Provience
Classification: Likely pathogenic for concomitant exotropia. Last evaluated: 2024-08-30. Review status: no assertion criteria provided. Collection method: clinical testing. Allele origin: inherited. Affected: yes. Observed: 3 variant alleles.
Comment: Dominant inheritance. SYNE1 was the pedigree coisolation gene in F3 (c.6992C>A(p.A2331D)).SYNE1 (spectrin repeat containing nuclear envelope protein 1) encodes a spectrin repeat-containing protein mainly expressed in skeletal and smooth muscle. Current studies have found that diseases associated with SYNE1 include spinocerebellar ataxia, autosomal recessive 8 and arthrogryposis multiplex congenita. The SYNE1 gene is highly expressed in the skeletal muscle system and nervous system. Research also suggests that the Klarsicht/ANC-1/Syne homolog (KASH)-domain-containing protein SYNE1 plays crucial roles in anchoring both synaptic and nonsynaptic myonuclei that are important for proper motor neuron innervation. In our study, pedigrees F3 and F6 had different mutation sites in the SYNE1 gene that caused different amino acid changes.

XM_005266877.1:c.6992C>A

Gene: SYNE1 (spectrin repeat containing nuclear envelope protein 1; minus strand).
Variant type: single nucleotide variant.
Other names: c.6992C>A (XM_005266877.1).
Identifiers: ClinVar variation 3340425 (VCV003340425.1).